The following is an entry in ClinVar:

ClinVar aggregate classification (germline): Uncertain significance (1 of 4 stars; one submission).

gnomAD v4.1: 3 of 1,613,764 alleles (0.00019%); highest among the groups gnomAD compares: South Asian, 0.0022%; no homozygotes.

Submission:

GeneDx
Classification: Uncertain significance. Last evaluated: 2019-05-09. Review status: criteria provided, single submitter. Criteria: GeneDx Variant Classification Process June 2021. Collection method: clinical testing. Allele origin: germline. Affected: yes.
Comment: Not observed in large population cohorts (Lek et al., 2016); Missense variant in a gene in which most reported pathogenic variants are truncating/loss-of-function; Has not been previously published as pathogenic or benign to our knowledge

NM_001267550.2(TTN):c.98354C>T (p.Ala32785Val)

Genes: TTN (titin; minus strand), TTN-AS1 (TTN antisense RNA 1; plus strand). Cytogenetic location: 2q31.2.
Variant type: single nucleotide variant.
Coding change: c.98354C>T on transcript NM_001267550.2 (MANE Select); coding-DNA position 98354, C replaced by T.
Protein change: p.Ala32785Val; replaces alanine 32785 with valine.
Molecular consequence: missense variant. On other transcripts: non-coding transcript variant (1).
Genome position (GRCh38, 1-based): chr2:178,539,711, G>A on the plus strand (C>T on the coding strand, the complement: TTN is on the minus strand). VCF-style: chr2-178539711-G-A. GRCh37 (hg19) VCF-style: chr2-179404438-G-A.
Other names: c.71159C>T, p.Ala23720Val (NM_003319.4); c.90650C>T, p.Ala30217Val (NM_133378.4); c.71534C>T, p.Ala23845Val (NM_133432.3); c.71735C>T, p.Ala23912Val (NM_133437.4); c.93431C>T, p.Ala31144Val (NM_001256850.1); short protein forms A23720V, A23845V, A23912V, A30217V, A31144V, A32785V.
Identifiers: ClinVar variation 1302097 (VCV001302097.2), dbSNP rs2154140130, ClinGen allele CA349432772.